The following is an entry in ClinVar:

NM_000466.3(PEX1):c.3242T>C (p.Leu1081Pro)

Genes: GATAD1 (GATA zinc finger domain containing 1; plus strand), PEX1 (peroxisomal biogenesis factor 1; minus strand). Cytogenetic location: 7q21.2.
Variant type: single nucleotide variant.
Coding change: c.3242T>C on transcript NM_000466.3 (MANE Select); coding-DNA position 3242, T replaced by C.
Protein change: p.Leu1081Pro; replaces leucine 1081 with proline.
Molecular consequence: missense variant.
Genome position (GRCh38, 1-based): chr7:92,491,468, A>G on the plus strand (T>C on the coding strand, the complement: PEX1 is on the minus strand). VCF-style: chr7-92491468-A-G. GRCh37 (hg19) VCF-style: chr7-92120782-A-G.
Other names: c.3071T>C, p.Leu1024Pro (NM_001282677.2); c.2618T>C, p.Leu873Pro (NM_001282678.2); short protein forms L1024P, L1081P, L873P.
Identifiers: ClinVar variation 1511684 (VCV001511684.8), dbSNP rs2116060032, ClinGen allele CA368164739.

ClinVar aggregate classification (germline): Uncertain significance (1 of 4 stars; one submission).

Conditions:
Zellweger spectrum disorders (ZS). Also called: Zellweger syndrome; Zellweger Spectrum Disorder (ZSD); Zellweger Spectrum Disorder; Zellweger Spectrum. Identifiers: Orphanet 912, MedGen C0043459, MONDO:0019609.

Submission:

Labcorp Genetics (formerly Invitae), Labcorp
Classification: Uncertain significance for Zellweger spectrum disorders. Last evaluated: 2024-05-22. Review status: criteria provided, single submitter. Criteria: Invitae Variant Classification Sherloc (09022015). Collection method: clinical testing. Allele origin: germline.
Comment: This sequence change replaces leucine, which is neutral and non-polar, with proline, which is neutral and non-polar, at codon 1081 of the PEX1 protein (p.Leu1081Pro). This variant is not present in population databases (gnomAD no frequency). This variant has not been reported in the literature in individuals affected with PEX1-related conditions. ClinVar contains an entry for this variant (Variation ID: 1511684). Advanced modeling of protein sequence and biophysical properties (such as structural, functional, and spatial information, amino acid conservation, physicochemical variation, residue mobility, and thermodynamic stability) performed at Invitae indicates that this missense variant is expected to disrupt PEX1 protein function with a positive predictive value of 80%. In summary, the available evidence is currently insufficient to determine the role of this variant in disease. Therefore, it has been classified as a Variant of Uncertain Significance.